The following is an entry in ClinVar:

NM_000021.4(PSEN1):c.274T>A (p.Cys92Ser)

Gene: PSEN1 (presenilin 1; plus strand). Cytogenetic location: 14q24.2.
Variant type: single nucleotide variant.
Coding change: c.274T>A on transcript NM_000021.4 (MANE Select); coding-DNA position 274, T replaced by A.
Protein change: p.Cys92Ser; replaces cysteine 92 with serine.
Molecular consequence: missense variant.
Genome position (GRCh38, 1-based): chr14:73,170,983, T>A. VCF-style: chr14-73170983-T-A. GRCh37 (hg19) VCF-style: chr14-73637691-T-A.
Other names: c.262T>A, p.Cys88Ser (NM_007318.3); short protein forms C88S, C92S.
Identifiers: ClinVar variation 2028849 (VCV002028849.32), dbSNP rs2503063306, ClinGen allele CA390303353.

ClinVar aggregate classification (germline): Pathogenic. Review status: criteria provided, multiple submitters, no conflicts (2 of 4 stars). 2 submissions from 2 submitters: Pathogenic (2). Last evaluated 2023-01-01.

Conditions:
Alzheimer disease 3 (AD3). Also called: ALZHEIMER DISEASE, FAMILIAL, 3. Identifiers: Orphanet 1020, MedGen C1843013, MONDO:0011913, OMIM 607822.
Acne inversa, familial, 3 (ACNINV3). Identifiers: MedGen C3151038, MONDO:0013398, OMIM 613737.
Pick disease. Also called: Pick's disease; PICK DISEASE OF BRAIN; DEMENTIA WITH LOBAR ATROPHY AND NEURONAL CYTOPLASMIC INCLUSIONS; LOBAR ATROPHY OF BRAIN; Pick Disease of the Brain. Identifiers: Orphanet 282, MedGen C0236642, MONDO:0008243, OMIM 172700.
Frontotemporal dementia (FTD1). Also called: WILHELMSEN-LYNCH DISEASE; FRONTOTEMPORAL DEMENTIA WITH PARKINSONISM; FRONTOTEMPORAL LOBE DEMENTIA; MULTIPLE SYSTEM TAUOPATHY WITH PRESENILE DEMENTIA; Dementia, frontotemporal, with or without parkinsonism; Frontotemporal Dementia with Parkinsonism-17 (FTDP-17). Identifiers: Orphanet 282, MedGen C0338451, MONDO:0017276, OMIM 600274, HP:0002145.

Submissions (2):

CeGaT Center for Human Genetics Tuebingen
Classification: Pathogenic. Last evaluated: 2023-01-01. Review status: criteria provided, single submitter. Criteria: CeGaT Center For Human Genetics Tuebingen Variant Classification Criteria Version 2. Collection method: clinical testing. Allele origin: germline. Affected: yes. Observed: 1 variant allele.
Comment: PSEN1: PS1, PM1, PM2, PS4:Moderate, PP3, PS3:Supporting

Labcorp Genetics (formerly Invitae), Labcorp
Classification: Pathogenic for Alzheimer disease 3; Pick disease; Acne inversa, familial, 3; Frontotemporal dementia. Last evaluated: 2022-09-03. Review status: criteria provided, single submitter. Criteria: Invitae Variant Classification Sherloc (09022015). Collection method: clinical testing. Allele origin: germline.
Comment: Advanced modeling of protein sequence and biophysical properties (such as structural, functional, and spatial information, amino acid conservation, physicochemical variation, residue mobility, and thermodynamic stability) performed at Invitae indicates that this missense variant is expected to disrupt PSEN1 protein function. For these reasons, this variant has been classified as Pathogenic. Experimental studies have shown that this missense change affects PSEN1 function (PMID: 11013240, 11027672, 11043553, 27930341). This missense change has been observed in individuals with clinical features of PSEN1-related conditions (PMID: 12392798, 14623725, 29525180; Invitae). This variant is not present in population databases (gnomAD no frequency). This sequence change replaces cysteine, which is neutral and slightly polar, with serine, which is neutral and polar, at codon 92 of the PSEN1 protein (p.Cys92Ser).

Literature cited by the submitters: PubMed 11013240 (cited by Labcorp Genetics (formerly Invitae), Labcorp); PubMed 11027672 (cited by Labcorp Genetics (formerly Invitae), Labcorp); PubMed 11043553 (cited by Labcorp Genetics (formerly Invitae), Labcorp); PubMed 27930341 (cited by Labcorp Genetics (formerly Invitae), Labcorp); PubMed 12392798 (cited by Labcorp Genetics (formerly Invitae), Labcorp); PubMed 14623725 (cited by Labcorp Genetics (formerly Invitae), Labcorp); PubMed 29525180 (cited by Labcorp Genetics (formerly Invitae), Labcorp).